The following is an entry in ClinVar:

NC_000001.10:g.(?_145498103)_(145538307_?)dup

Genes: ITGA10 (integrin subunit alpha 10; minus strand), LIX1L (limb and CNS expressed 1 like; minus strand), PEX11B (peroxisomal biogenesis factor 11 beta; minus strand), RBM8A (RNA binding motif protein 8A; minus strand). Cytogenetic location: 1q21.1.
Variant type: Duplication.
Identifiers: ClinVar variation 830807 (VCV000830807.1).

ClinVar aggregate classification (germline): Uncertain significance (1 of 4 stars; one submission).

Submission:

Labcorp Genetics (formerly Invitae), Labcorp
Classification: Uncertain significance. Last evaluated: 2019-11-06. Review status: criteria provided, single submitter. Criteria: Invitae Variant Classification Sherloc (09022015). Collection method: clinical testing. Allele origin: germline.
Comment: This variant results in a copy number gain of the genomic region encompassing the full coding sequence of the PEX11B gene. The boundaries of this event are unknown as they extend beyond the assayed region for this gene and therefore may encompass additional genes. As the precise location of this event is unknown, it may be in tandem or it may be located elsewhere in the genome. This variant has not been reported in the literature in individuals with PEX11B-related conditions. In summary, the available evidence is currently insufficient to determine the role of this variant in disease. Therefore, it has been classified as a Variant of Uncertain Significance.